The following is an entry in ClinVar:

ClinVar aggregate classification (germline): Benign. Review status: criteria provided, multiple submitters, no conflicts (2 of 4 stars). 12 submissions from 12 submitters: Benign (10). 2 of the submissions do not count toward it. Last evaluated 2026-02-04.

Conditions:
Cardiovascular phenotype. Identifiers: MedGen CN230736.
Long QT syndrome (LQTS). Identifiers: MedGen C0023976, MeSH D008133, MONDO:0002442. Disease mechanism: loss of function. Inheritance: Various modes of inheritance.
Cardiac arrhythmia, ankyrin-B-related. Also called: ANKYRIN-B SYNDROME. Identifiers: Orphanet 101016, Orphanet 768, MedGen C1970119, MONDO:0010958, OMIM 600919.

Allele frequency attached by ClinVar (database versions not stated): gnomAD exomes 0.16450 and 0.18889; ExAC 0.19738; gnomAD 0.29276 and 0.30277; 1000 Genomes Project 0.31330; TOPMed 0.31663; ESP Exome Variant Server 0.32062; 1000 Genomes Project 30x 0.32714.
gnomAD v4.1: 286,511 of 1,613,360 alleles (18%); highest among the groups gnomAD compares: African/African-American, 65%; 35,006 homozygotes.

Submissions (12):

Labcorp Genetics (formerly Invitae), Labcorp
Classification: Benign for Long QT syndrome. Last evaluated: 2026-02-04. Review status: criteria provided, single submitter. Criteria: Invitae Variant Classification Sherloc (09022015). Collection method: clinical testing. Allele origin: germline.

Molecular Diagnostic Laboratory for Inherited Cardiovascular Disease, Montreal Heart Institute
Classification: Benign. Last evaluated: 2025-04-09. Review status: criteria provided, single submitter. Criteria: ACMG Guidelines, 2015. Collection method: clinical testing. Allele origin: germline. Affected: no.

Blueprint Genetics
Classification: Benign. Last evaluated: 2024-11-26. Review status: criteria provided, single submitter. Criteria: ACMG Guidelines, 2015. Collection method: clinical testing. Allele origin: germline.

Genome-Nilou Lab
Classification: Benign for Cardiac arrhythmia, ankyrin-B-related. Last evaluated: 2021-12-05. Review status: criteria provided, single submitter. Criteria: ACMG Guidelines, 2015. Collection method: clinical testing. Allele origin: germline. Affected: no.

Illumina Laboratory Services, Illumina
Classification: Benign for Cardiac arrhythmia, ankyrin-B-related. Last evaluated: 2018-01-12. Review status: criteria provided, single submitter. Criteria: ICSL Variant Classification Criteria 13 December 2019. Collection method: clinical testing. Allele origin: germline.
Comment: This variant was observed in the ICSL laboratory as part of a predisposition screen in an ostensibly healthy population. It had not been previously curated by ICSL or reported in the Human Gene Mutation Database (HGMD: prior to June 1st, 2018), and was therefore a candidate for classification through an automated scoring system. Utilizing variant allele frequency, disease prevalence and penetrance estimates, and inheritance mode, an automated score was calculated to assess if this variant is too frequent to cause the disease. Based on the score and internal cut-off values, a variant classified as benign is not then subjected to further curation. The score for this variant resulted in a classification of benign for this disease.

Ambry Genetics
Classification: Benign for Cardiovascular phenotype. Last evaluated: 2015-06-12. Review status: criteria provided, single submitter. Criteria: Ambry Variant Classification Scheme 2023. Collection method: clinical testing. Allele origin: germline.

Mayo Clinic Laboratories, Mayo Clinic
Classification: Benign. Last evaluated: 2014-12-11. Review status: criteria provided, single submitter. Criteria: ACMG Guidelines, 2015. Collection method: clinical testing. Allele origin: germline. Observed: 312 variant alleles.

GeneDx
Classification: Benign. Last evaluated: 2011-07-10. Review status: criteria provided, single submitter. Criteria: GeneDx Variant Classification (06012015). Collection method: clinical testing. Allele origin: germline. Affected: yes.
Comment: This variant is considered likely benign or benign based on one or more of the following criteria: it is a conservative change, it occurs at a poorly conserved position in the protein, it is predicted to be benign by multiple in silico algorithms, and/or has population frequency not consistent with disease.

Breakthrough Genomics
Classification: Benign. Review status: criteria provided, single submitter. Criteria: ACMG Guidelines, 2015. Collection method: not provided. Allele origin: germline. Inheritance: Autosomal dominant inheritance. Affected: yes.

PreventionGenetics, part of Exact Sciences
Classification: Benign. Review status: criteria provided, single submitter. Criteria: ACMG Guidelines, 2015. Collection method: clinical testing. Allele origin: germline.

Clinical Genetics, Academic Medical Center
Classification: Benign. Review status: no assertion criteria provided. Collection method: clinical testing. Allele origin: germline. Affected: yes. Study: VKGL Data-share Consensus. Not counted in ClinVar's aggregate classification.

Diagnostic Laboratory, Department of Genetics, University Medical Center Groningen
Classification: Benign for Cardiac arrhythmia, ankyrin-B-related. Review status: no assertion criteria provided. Collection method: clinical testing. Allele origin: germline. Affected: yes. Study: VKGL Data-share Consensus. Not counted in ClinVar's aggregate classification.

NM_001148.6(ANK2):c.11673T>C (p.His3891=)

Gene: ANK2 (ankyrin 2; plus strand). Cytogenetic location: 4q26.
Variant type: single nucleotide variant.
Coding change: c.11673T>C on transcript NM_001148.6 (MANE Select); coding-DNA position 11673, T replaced by C.
Protein change: p.His3891=; no amino-acid change (histidine 3891 retained).
Molecular consequence: synonymous variant. On other transcripts: intron variant (1).
Genome position (GRCh38, 1-based): chr4:113,373,152, T>C. VCF-style: chr4-113373152-T-C. GRCh37 (hg19) VCF-style: chr4-114294308-T-C.
Other names: p.H3891H:CAT>CAC; p.His1806=; c.11673T>C (NM_001148.5); c.5418T>C (NM_020977.4); c.5391T>C, p.His1797= (NM_001127493.3); c.5430T>C, p.His1810= (NM_001354225.2); c.5412T>C, p.His1804= (NM_001354228.2); c.5397T>C, p.His1799= (NM_001354230.2); and 48 more.
Identifiers: ClinVar variation 136397 (VCV000136397.26), dbSNP rs2293324, ClinGen allele CA289465.